The following is an entry in ClinVar:

ClinVar aggregate classification (germline): Uncertain significance (1 of 4 stars; one submission).

Conditions:
Hereditary cancer-predisposing syndrome. Also called: Neoplastic Syndromes, Hereditary; Tumor predisposition; Hereditary Cancer Syndrome; Hereditary neoplastic syndrome. Identifiers: Orphanet 140162, MedGen C0027672, MeSH D009386, MONDO:0015356.

Allele frequency attached by ClinVar (database versions not stated): TOPMed 0.00001.

Submission:

Ambry Genetics
Classification: Uncertain significance for Hereditary cancer-predisposing syndrome. Last evaluated: 2015-08-03. Review status: criteria provided, single submitter. Criteria: Ambry Autosomal Dominant and X-Linked criteria (10/2015). Collection method: clinical testing. Allele origin: germline. Observed: 1 variant allele.
Comment: The p.V381I variant (also known as c.1141G>A), located in coding exon 10 of the NF1 gene, results from a G to A substitution at nucleotide position 1141. The valine at codon 381 is replaced by isoleucine, an amino acid with highly similar properties. This variant was not reported in population based cohorts in the following databases: Database of Single Nucleotide Polymorphisms (dbSNP), NHLBI Exome Sequencing Project (ESP), and 1000 Genomes Project. In the ESP, this variant was not observed in 6503 samples (13006 alleles) with coverage at this position. To date, this alteration has been detected with an allele frequency of approximately 0.002% (greater than 55000alleles tested) in our clinical cohort.This amino acid position is highly conserved in available vertebrate species. In addition, the in silico prediction for this alteration is inconclusive.Since supporting evidence is limited at this time, the clinical significance of p.V381Iremains unclear.

NM_001042492.3(NF1):c.1141G>A (p.Val381Ile)

Gene: NF1 (neurofibromin 1; plus strand). Cytogenetic location: 17q11.2.
Variant type: single nucleotide variant.
Coding change: c.1141G>A on transcript NM_001042492.3 (MANE Select); coding-DNA position 1141, G replaced by A.
Protein change: p.Val381Ile; replaces valine 381 with isoleucine.
Molecular consequence: missense variant.
Genome position (GRCh38, 1-based): chr17:31,201,115, G>A. VCF-style: chr17-31201115-G-A. GRCh37 (hg19) VCF-style: chr17-29528133-G-A.
Other names: c.1141G>A, p.Val381Ile (NM_000267.4, NM_001128147.3); short protein forms V381I.
Identifiers: ClinVar variation 233234 (VCV000233234.3), dbSNP rs876660276, ClinGen allele CA10580214.